The following is an entry in ClinVar:

ClinVar aggregate classification (germline): Uncertain significance (1 of 4 stars; one submission).

Conditions:
Neutral lipid storage myopathy (NLSDM). Also called: NEUTRAL LIPID STORAGE DISEASE WITHOUT ICHTHYOSIS. Identifiers: Orphanet 98908, MedGen C1853136, MONDO:0012545, OMIM 610717.

Allele frequency attached by ClinVar (database versions not stated): gnomAD exomes 0.00001 and 0.00002; gnomAD 0.00002; ExAC 0.00006.
gnomAD v4.1: 27 of 1,553,970 alleles (0.0017%); highest among the groups gnomAD compares: Admixed American, 0.0039%; no homozygotes.

Submission:

Labcorp Genetics (formerly Invitae), Labcorp
Classification: Uncertain significance for Neutral lipid storage myopathy. Last evaluated: 2022-08-22. Review status: criteria provided, single submitter. Criteria: Invitae Variant Classification Sherloc (09022015). Collection method: clinical testing. Allele origin: germline.
Comment: This sequence change replaces arginine, which is basic and polar, with cysteine, which is neutral and slightly polar, at codon 380 of the PNPLA2 protein (p.Arg380Cys). The frequency data for this variant in the population databases is considered unreliable, as metrics indicate poor data quality at this position in the gnomAD database. This variant has not been reported in the literature in individuals affected with PNPLA2-related conditions. ClinVar contains an entry for this variant (Variation ID: 842307). Algorithms developed to predict the effect of missense changes on protein structure and function are either unavailable or do not agree on the potential impact of this missense change (SIFT: "Deleterious"; PolyPhen-2: "Possibly Damaging"; Align-GVGD: "Class C15"). Algorithms developed to predict the effect of sequence changes on RNA splicing suggest that this variant may create or strengthen a splice site. In summary, the available evidence is currently insufficient to determine the role of this variant in disease. Therefore, it has been classified as a Variant of Uncertain Significance.

NM_020376.4(PNPLA2):c.1138C>T (p.Arg380Cys)

Gene: PNPLA2 (patatin like domain 2, triacylglycerol lipase; plus strand). Cytogenetic location: 11p15.5.
Variant type: single nucleotide variant.
Coding change: c.1138C>T on transcript NM_020376.4 (MANE Select); coding-DNA position 1138, C replaced by T.
Protein change: p.Arg380Cys; replaces arginine 380 with cysteine.
Molecular consequence: missense variant.
Genome position (GRCh38, 1-based): chr11:824,399, C>T. VCF-style: chr11-824399-C-T. GRCh37 (hg19) VCF-style: chr11-824399-C-T.
Other names: short protein forms R380C.
Identifiers: ClinVar variation 842307 (VCV000842307.7), dbSNP rs767225998, ClinGen allele CA5791311.